The following is an entry in ClinVar:

ClinVar aggregate classification (germline): Likely pathogenic (1 of 4 stars; one submission).

Conditions:
CFTR-related disorder (CFTR-RD). Also called: CFTR-related disorders; CFTR-related condition. Identifiers: MedGen C5924204, MONDO:7770004.

Submission:

Natera, Inc.
Classification: Likely pathogenic for CFTR-related disorders. Last evaluated: 2024-11-18. Review status: criteria provided, single submitter. Criteria: Natera Variant Classification Schema (03/2026). Collection method: clinical testing. Allele origin: germline.
Comment: The c.3622_3623dupGG variant in CFTR is a frameshift variant predicted to shift the reading frame beginning at codon 1209 and leads to a stop codon 3 codons downstream. This variant is expected to result in nonsense mediated decay, truncation, or a dysfunctional protein product. This variant is rare in the general population with a frequency below the threshold expected for the associated phenotype(s). Given the available evidence, this variant is classified as Likely Pathogenic.

NM_000492.4(CFTR):c.3622_3623dup (p.Gln1209fs)

Genes: CFTR (CF transmembrane conductance regulator; plus strand), CFTR-AS2 (CFTR antisense RNA 2; minus strand). Cytogenetic location: 7q31.2.
Variant type: Duplication.
Coding change: c.3622_3623dup on transcript NM_000492.4 (MANE Select); coding-DNA positions 3622 to 3623, 2 bases duplicated (GG; older notation c.3622_3623dupGG).
Protein change: p.Gln1209fs; shifts the reading frame from glutamine 1209.
Molecular consequence: frameshift variant.
Genome position (GRCh38, 1-based): chr7:117,627,675-117,627,676, GG duplicated; duplicating any 2 consecutive bases within chr7:117,627,672-117,627,676 gives the same sequence; the c. name uses the placement nearest the transcript's 3' end. VCF-style (leftmost placement, unchanged base first): chr7-117627671-A-AGG. GRCh37 (hg19) VCF-style: chr7-117267725-A-AGG.
Other names: c.3622_3623dupGG (NM_000492.3); short protein forms Q1209fs.
Identifiers: ClinVar variation 4818541 (VCV004818541.1).